The following is an entry in ClinVar:

ClinVar aggregate classification (germline): Pathogenic (1 of 4 stars; one submission).

Conditions:
Blepharophimosis, ptosis, and epicanthus inversus syndrome. Identifiers: Orphanet 126, MedGen C0220663, MONDO:0007201, OMIM 110100.

Submission:

Genomic Diagnostic Laboratory, Division of Genomic Diagnostics, Children's Hospital of Philadelphia
Classification: Pathogenic for Blepharophimosis, ptosis, and epicanthus inversus syndrome. Last evaluated: 2016-11-03. Review status: criteria provided, single submitter. Criteria: DGD Variant Analysis Guidelines. Collection method: clinical testing. Allele origin: germline. Affected: yes. Observed: 1 variant allele.
Comment: Clinical Testing

NM_023067.4(FOXL2):c.892dup (p.His298fs)

Gene: FOXL2 (forkhead box L2; minus strand). Cytogenetic location: 3q22.3.
Variant type: Duplication.
Coding change: c.892dup on transcript NM_023067.4 (MANE Select); coding-DNA position 892, one base duplicated (C; older notation c.892dupC).
Protein change: p.His298fs; shifts the reading frame from histidine 298.
Molecular consequence: frameshift variant.
Genome position (GRCh38, 1-based): chr3:138,945,831, G duplicated on the plus strand (C on the coding strand, the reverse complement: FOXL2 is on the minus strand); the first of 2 consecutive G bases (chr3:138,945,831-138,945,832); duplicating either gives the same sequence. VCF-style (leftmost placement, unchanged base first): chr3-138945830-T-TG. GRCh37 (hg19) VCF-style: chr3-138664672-T-TG.
Other names: short protein forms H298fs.
Identifiers: ClinVar variation 369934 (VCV000369934.1), dbSNP rs1057516181, ClinGen allele CA10654860.
Genomic context (GRCh38, chr3:138,945,830, plus strand): 5'-GGCGGCGCGGCGGCCCCGTGGTGCGGTGGGGCAGGCGGCGGTGCGGCGGCCGCGTGCAGA[T>TG]GGTGTGCGTGCGGATGCGGGTGGGGGTGCGGCGGAGGCGGGGGTGCGGCCGGCGGGCCTC-3'